The following is an entry in ClinVar:

ClinVar aggregate classification (germline): Likely pathogenic (1 of 4 stars; one submission).

Conditions:
POR-related disorder. Also called: POR-related condition.

Submission:

PreventionGenetics, part of Exact Sciences
Classification: Likely pathogenic for POR-related condition. Last evaluated: 2026-01-26. Review status: criteria provided, single submitter. Criteria: ACMG Guidelines, 2015. Collection method: clinical testing. Allele origin: germline.
Comment: The POR c.217dupG variant is predicted to result in a frameshift and premature protein termination (p.Val73Glyfs*46). To our knowledge, this variant has not been reported in the literature or in a large population database (gnomAD), indicating this variant is rare. Frameshift variants in POR are expected to be pathogenic. This variant is interpreted as likely pathogenic.

NM_001395413.1(POR):c.208dup (p.Val70fs)

Gene: POR (cytochrome p450 oxidoreductase; plus strand). Cytogenetic location: 7q11.23.
Variant type: Duplication.
Coding change: c.208dup on transcript NM_001395413.1 (MANE Select); coding-DNA position 208, one base duplicated (G; older notation c.208dupG).
Protein change: p.Val70fs; shifts the reading frame from valine 70.
Molecular consequence: frameshift variant.
Genome position (GRCh38, 1-based): chr7:75,972,441, G duplicated. VCF-style (leftmost placement, unchanged base first): chr7-75972440-T-TG. GRCh37 (hg19) VCF-style: chr7-75601758-T-TG.
Other names: c.217dupG (NM_000941.2); c.208dup, p.Val70fs (NM_001367562.3, NM_001382657.2, NM_001382658.3 and 2 more transcripts); c.262dup, p.Val88fs (NM_001382655.3); short protein forms V70fs, V88fs.
Identifiers: ClinVar variation 4992594 (VCV004992594.1).